The following is an entry in ClinVar:

ClinVar aggregate classification (germline): Pathogenic (1 of 4 stars; one submission).

Submission:

Labcorp Genetics (formerly Invitae), Labcorp
Classification: Pathogenic. Last evaluated: 2023-08-30. Review status: criteria provided, single submitter. Criteria: Invitae Variant Classification Sherloc (09022015). Collection method: clinical testing. Allele origin: germline.
Comment: This sequence change creates a premature translational stop signal (p.Leu1456Glnfs*56) in the SORL1 gene. It is expected to result in an absent or disrupted protein product. Loss-of-function variants in SORL1 are known to be pathogenic (PMID: 26303663, 27026413). This variant is not present in population databases (gnomAD no frequency). This variant has not been reported in the literature in individuals affected with SORL1-related conditions. For these reasons, this variant has been classified as Pathogenic.

Literature cited by the submitters: PubMed 26303663; PubMed 27026413.

NM_003105.6(SORL1):c.4362_4365CTTG[1] (p.Leu1456fs)

Gene: SORL1 (sortilin related receptor 1; plus strand). Cytogenetic location: 11q24.1.
Variant type: Microsatellite.
Coding change: c.4362_4365CTTG[1] on transcript NM_003105.6 (MANE Select).
Protein change: p.Leu1456fs; shifts the reading frame from leucine 1456.
Molecular consequence: frameshift variant.
Genome position: GRCh38 VCF-style: chr11-121591148-CCTTG-C. GRCh37 (hg19) VCF-style: chr11-121461857-CCTTG-C.
Other names: short protein forms L1456fs.
Identifiers: ClinVar variation 2855738 (VCV002855738.3), dbSNP rs2496955412, ClinGen allele CA2739271781.
Genomic context (GRCh38, chr11:121,591,148, plus strand): 5'-ACACCTGGGTGTGCGACGGGTACCGAGATTGTGCAGATGGCTCTGACGAGGAAGCCTGCC[CCTTG>C]CTTGGTGAGTTCTGGCCCAGGTCCTCTCCTGTGGTACCTGCTATTGTGGAGAGGACCTTC-3'